The following is an entry in ClinVar:

NM_020070.4(IGLL1):c.521delinsAT (p.Ala174fs)

Gene: IGLL1 (immunoglobulin lambda like polypeptide 1; minus strand). Cytogenetic location: 22q11.23.
Variant type: Indel.
Coding change: c.521delinsAT on transcript NM_020070.4 (MANE Select); coding-DNA position 521, C replaced by AT.
Protein change: p.Ala174fs; shifts the reading frame from alanine 174.
Molecular consequence: frameshift variant. On other transcripts: 3 prime UTR variant (1).
Genome position (GRCh38, 1-based): chr22:23,573,387, G replaced by AT on the plus strand (C replaced by AT on the coding strand, the reverse complement: IGLL1 is on the minus strand). VCF-style: chr22-23573387-G-AT. GRCh37 (hg19) VCF-style: chr22-23915574-G-AT.
Other names: c.524delinsAT, p.Ala175fs (NM_001369906.1); c.*150delinsAT (NM_152855.3); short protein forms A174fs, A175fs.
Identifiers: ClinVar variation 2501751 (VCV002501751.1), dbSNP rs2517399653, ClinGen allele CA2580615261.

ClinVar aggregate classification (germline): Uncertain significance (1 of 4 stars; one submission).

Conditions:
Agammaglobulinemia 2, autosomal recessive (AGM2). Also called: AGAMMAGLOBULINEMIA, AUTOSOMAL RECESSIVE, DUE TO IGLL1 DEFECT. Identifiers: MedGen C3150750, MONDO:0013287, OMIM 613500.

Submission:

Center for Genomics, Ann and Robert H. Lurie Children's Hospital of Chicago
Classification: Uncertain significance for Agammaglobulinemia 2, autosomal recessive. Last evaluated: 2021-03-30. Review status: criteria provided, single submitter. Criteria: ACMG Guidelines, 2015. Collection method: clinical testing. Allele origin: germline.
Comment: IGLL1 NM_020070.3 exon 3 p.Ala174Met (c.520_521delinsAT): This variant has not been reported in the literature and is not present in large control databases. This variant amino acid Methionine (Met) is present in >15 species; this suggests that this variant may not impact the protein. Additional computational prediction tools do not suggest an impact. Of note, computational tools designed to predict splicing suggest a potential effect from this variant. However, further studies are needed to understand its impact. This variant is a deletion and insertion of 2 nucleotides at postion 520, resulting in a single, inframe substitution and is not predicted to alter the reading frame. However, the effect of this variant on the protein is unclear. In summary, data on this variant is insufficient for disease classification. Therefore, the clinical significance of this variant is uncertain.